The following is an entry in ClinVar:

ClinVar aggregate classification (germline): Uncertain significance (1 of 4 stars; one submission).

Conditions:
Dilated cardiomyopathy 1II (CMD1II). Identifiers: Orphanet 154, MedGen C3554649, MONDO:0014073, OMIM 615184.

Allele frequency attached by ClinVar (database versions not stated): gnomAD exomes below 0.00001.
gnomAD v4.1: 1 of 1,612,630 alleles (0.000062%); highest among the groups gnomAD compares: Non-Finnish European, 0.000085%; no homozygotes.

Submission:

Labcorp Genetics (formerly Invitae), Labcorp
Classification: Uncertain significance for Dilated cardiomyopathy 1II. Last evaluated: 2022-11-01. Review status: criteria provided, single submitter. Criteria: Invitae Variant Classification Sherloc (09022015). Collection method: clinical testing. Allele origin: germline.
Comment: In summary, the available evidence is currently insufficient to determine the role of this variant in disease. Therefore, it has been classified as a Variant of Uncertain Significance. Algorithms developed to predict the effect of missense changes on protein structure and function (SIFT, PolyPhen-2, Align-GVGD) all suggest that this variant is likely to be tolerated. ClinVar contains an entry for this variant (Variation ID: 863037). This variant has not been reported in the literature in individuals affected with CRYAB-related conditions. This variant is not present in population databases (gnomAD no frequency). This sequence change replaces lysine, which is basic and polar, with asparagine, which is neutral and polar, at codon 174 of the CRYAB protein (p.Lys174Asn).

NM_001289808.2(CRYAB):c.522G>T (p.Lys174Asn)

Gene: CRYAB (crystallin alpha B; minus strand). Cytogenetic location: 11q23.1.
Variant type: single nucleotide variant.
Coding change: c.522G>T on transcript NM_001289808.2 (MANE Select); coding-DNA position 522, G replaced by T.
Protein change: p.Lys174Asn; replaces lysine 174 with asparagine.
Molecular consequence: missense variant.
Genome position (GRCh38, 1-based): chr11:111,908,770, C>A on the plus strand (G>T on the coding strand, the complement: CRYAB is on the minus strand). VCF-style: chr11-111908770-C-A. GRCh37 (hg19) VCF-style: chr11-111779494-C-A.
Other names: c.522G>T, p.Lys174Asn (NM_001289807.1, NM_001368245.1, NM_001885.3); c.321G>T, p.Lys107Asn (NM_001330379.1, NM_001368246.1); short protein forms K107N, K174N.
Identifiers: ClinVar variation 863037 (VCV000863037.9), dbSNP rs1965352034, ClinGen allele CA382595317.